The following is an entry in ClinVar:

NM_025074.7(FRAS1):c.9375T>A (p.His3125Gln)

Gene: FRAS1 (Fraser extracellular matrix complex subunit 1; plus strand). Cytogenetic location: 4q21.21.
Variant type: single nucleotide variant.
Coding change: c.9375T>A on transcript NM_025074.7 (MANE Select); coding-DNA position 9375, T replaced by A.
Protein change: p.His3125Gln; replaces histidine 3125 with glutamine.
Molecular consequence: missense variant.
Genome position (GRCh38, 1-based): chr4:78,507,479, T>A. VCF-style: chr4-78507479-T-A. GRCh37 (hg19) VCF-style: chr4-79428633-T-A.
Other names: c.9375T>A (NM_025074.6); short protein forms H3125Q.
Identifiers: ClinVar variation 198323 (VCV000198323.10), dbSNP rs370907958, ClinGen allele CA246908.

ClinVar aggregate classification (germline): Uncertain significance. Review status: criteria provided, multiple submitters, no conflicts (2 of 4 stars). 4 submissions from 4 submitters: Uncertain significance (4). Last evaluated 2025-06-16.

Conditions:
Inborn genetic diseases. Identifiers: MedGen C0950123, MeSH D030342.
Fraser syndrome 1 (FRASRS1). Also called: CRYPTOPHTHALMOS WITH OTHER MALFORMATIONS. Identifiers: Orphanet 2052, MedGen C4551480, MONDO:0054737, OMIM 219000.

Allele frequency attached by ClinVar (database versions not stated): ExAC 0.00002; gnomAD exomes 0.00003 and 0.00007; gnomAD 0.00006 and 0.00049; ESP Exome Variant Server 0.00008; TOPMed 0.00059.
gnomAD v4.1: 178 of 1,612,888 alleles (0.011%); highest among the groups gnomAD compares: Non-Finnish European, 0.0092%; 1 homozygote.

Submissions (4):

Ambry Genetics
Classification: Uncertain significance for Inborn genetic diseases. Last evaluated: 2025-06-16. Review status: criteria provided, single submitter. Criteria: Ambry Variant Classification Scheme 2023. Collection method: clinical testing. Allele origin: germline.

Fulgent Genetics
Classification: Uncertain significance for Fraser syndrome 1. Last evaluated: 2021-10-27. Review status: criteria provided, single submitter. Criteria: ACMG Guidelines, 2015. Collection method: clinical testing. Allele origin: unknown.

Labcorp Genetics (formerly Invitae), Labcorp
Classification: Uncertain significance. Last evaluated: 2021-07-30. Review status: criteria provided, single submitter. Criteria: Invitae Variant Classification Sherloc (09022015). Collection method: clinical testing. Allele origin: germline.
Comment: This sequence change replaces histidine with glutamine at codon 3125 of the FRAS1 protein (p.His3125Gln). The histidine residue is highly conserved and there is a small physicochemical difference between histidine and glutamine. This variant is present in population databases (rs370907958, ExAC 0.005%). This variant has not been reported in the literature in individuals affected with FRAS1-related conditions. ClinVar contains an entry for this variant (Variation ID: 198323). Algorithms developed to predict the effect of missense changes on protein structure and function are either unavailable or do not agree on the potential impact of this missense change (SIFT: "Deleterious"; PolyPhen-2: "Possibly Damaging"; Align-GVGD: "Class C0"). In summary, the available evidence is currently insufficient to determine the role of this variant in disease. Therefore, it has been classified as a Variant of Uncertain Significance.

Eurofins Ntd Llc (ga)
Classification: Uncertain significance. Last evaluated: 2015-03-11. Review status: criteria provided, single submitter. Criteria: EGL Classification Definitions 2015. Collection method: clinical testing. Allele origin: germline. Observed: 1 variant allele, 1 heterozygote.